The following is an entry in ClinVar:

ClinVar aggregate classification (germline): Uncertain significance. Review status: criteria provided, multiple submitters, no conflicts (2 of 4 stars). 3 submissions from 3 submitters: Uncertain significance (3). Last evaluated 2026-06-17.

Conditions:
Inborn genetic diseases. Identifiers: MedGen C0950123, MeSH D030342.

Allele frequency attached by ClinVar (database versions not stated): gnomAD exomes below 0.00001; TOPMed below 0.00001.
gnomAD v4.1: 6 of 1,613,982 alleles (0.00037%); highest among the groups gnomAD compares: Non-Finnish European, 0.00042%; no homozygotes.

Submissions (3):

Ambry Genetics
Classification: Uncertain significance for Inborn genetic diseases. Last evaluated: 2026-06-17. Review status: criteria provided, single submitter. Criteria: Ambry Variant Classification Scheme 2023. Collection method: clinical testing. Allele origin: germline.

GeneDx
Classification: Uncertain significance. Last evaluated: 2022-04-26. Review status: criteria provided, single submitter. Criteria: GeneDx Variant Classification Process June 2021. Collection method: clinical testing. Allele origin: germline. Affected: yes.
Comment: Not observed at significant frequency in large population cohorts (gnomAD); In silico analysis supports that this missense variant has a deleterious effect on protein structure/function; Has not been previously published as pathogenic or benign to our knowledge

Blueprint Genetics
Classification: Uncertain significance. Last evaluated: 2021-04-26. Review status: criteria provided, single submitter. Criteria: ACMG Guidelines, 2015. Collection method: clinical testing. Allele origin: germline.

NM_178857.6(RP1L1):c.278T>G (p.Leu93Arg)

Gene: RP1L1 (RP1 like 1). Cytogenetic location: 8p23.1.
Variant type: single nucleotide variant.
Coding change: c.278T>G on transcript NM_178857.6 (MANE Select); coding-DNA position 278, T replaced by G.
Protein change: p.Leu93Arg; replaces leucine 93 with arginine.
Molecular consequence: missense variant.
Genome position (GRCh38, 1-based): chr8:10,622,924, A>C on the plus strand (T>G on the coding strand, the complement: RP1L1 is on the minus strand). VCF-style: chr8-10622924-A-C. GRCh37 (hg19) VCF-style: chr8-10480434-A-C.
Other names: short protein forms L93R.
Identifiers: ClinVar variation 1722979 (VCV001722979.4), dbSNP rs1167786126, ClinGen allele CA370300636.
Genomic context (GRCh38, chr8:10,622,924, plus strand): 5'-GGGGTCTTGGGGGGCTTCTTATCAGAGCAGAGGTAGCAGCCTCCATCTTCCAGCTGCTCC[A>C]GGGCGCTGAGGCTATGCAGGCCCCGGGGTGTGGTGACAGAGCGCACCCCAAAGGAGAGAG-3'
Protein context (NP_849188.4, residues 83-103): TPRGLHSLSA[Leu93Arg]EQLEDGGCYL